The following is an entry in ClinVar:

NM_001077365.2(POMT1):c.990T>A (p.Tyr330Ter)

Gene: POMT1 (protein O-mannosyltransferase 1; plus strand). Cytogenetic location: 9q34.13.
Variant type: single nucleotide variant.
Coding change: c.990T>A on transcript NM_001077365.2 (MANE Select); coding-DNA position 990, T replaced by A.
Protein change: p.Tyr330Ter; replaces tyrosine 330 with a stop codon.
Molecular consequence: nonsense. On other transcripts: non-coding transcript variant (10), intron variant (1).
Genome position (GRCh38, 1-based): chr9:131,512,044, T>A. VCF-style: chr9-131512044-T-A. GRCh37 (hg19) VCF-style: chr9-134387431-T-A.
Other names: c.828T>A, p.Tyr276Ter (NM_001077366.2, NM_001353194.2); c.990T>A, p.Tyr330Ter (NM_001136113.2, NM_001374690.1); c.639T>A, p.Tyr213Ter (NM_001136114.2, NM_001353195.2, NM_001374691.1 and 1 more transcripts); c.1056T>A, p.Tyr352Ter (NM_001353193.2, NM_007171.4); c.900T>A, p.Tyr300Ter (NM_001353196.2); c.894T>A, p.Tyr298Ter (NM_001353197.2, NM_001353198.2); c.705T>A, p.Tyr235Ter (NM_001353199.2); c.534T>A, p.Tyr178Ter (NM_001353200.2); and 3 more; short protein forms Y352*, Y330*, Y213*, Y178*, Y276*, Y298*, Y235*, Y300*.
Identifiers: ClinVar variation 502224 (VCV000502224.11), dbSNP rs765230689, ClinGen allele CA375308747.
Genomic context (GRCh38, chr9:131,512,044, plus strand): 5'-TACAGGCCTGAGCCACCGCGCCTGGCCCAGATACATCTCTTTGTTGACTTCACACAGATA[T>A]GAGAACGGCCGAGGCAGCTCCCACCAGCAACAGGTGACCTGTTACCCCTTCAAAGATGTC-3'

ClinVar aggregate classification (germline): Pathogenic/Likely pathogenic. Review status: criteria provided, multiple submitters, no conflicts (2 of 4 stars). 4 submissions from 4 submitters: Pathogenic (3); Likely pathogenic (1). Last evaluated 2024-06-19.

Conditions:
Autosomal recessive limb-girdle muscular dystrophy type 2K. Also called: MUSCULAR DYSTROPHY-DYSTROGLYCANOPATHY (LIMB-GIRDLE), TYPE C, 1; MUSCULAR DYSTROPHY, LIMB-GIRDLE, TYPE 2K. Identifiers: Orphanet 86812, MedGen C1836373, MONDO:0012248, OMIM 609308.
Muscular dystrophy-dystroglycanopathy (congenital with impaired intellectual development), type B, 1. Also called: Muscular dystrophy-dystroglycanopathy (congenital with intellectual disability), type B1; MUSCULAR DYSTROPHY, CONGENITAL, POMT1-RELATED. Identifiers: MedGen C5436962, MONDO:0013159, OMIM 613155.
Muscular dystrophy-dystroglycanopathy (congenital with brain and eye anomalies), type A1 (MDDGA1). Also called: COD-MD SYNDROME; Muscular dystrophy-dystroglycanopathy (congenital with brain and eye anomalies), type A, 1; WALKER-WARBURG SYNDROME OR MUSCLE-EYE-BRAIN DISEASE, POMT1-RELATED; Hydrocephalus, agyria and retinal dysplasia; Hard +/- E syndrome; Warburg syndrome. Identifiers: Orphanet 588, Orphanet 899, MedGen C4284790, MONDO:0009364, OMIM 236670.
Walker-Warburg congenital muscular dystrophy. Also called: Muscular dystrophy-dystroglycanopathy, type A; Walker-Warburg syndrome. Identifiers: Orphanet 899, MedGen C0265221, MONDO:0000171.

Allele frequency attached by ClinVar (database versions not stated): TOPMed 0.00001.
gnomAD v4.1: 22 of 1,613,952 alleles (0.0014%); highest among the groups gnomAD compares: Non-Finnish European, 0.0018%; no homozygotes.

Submissions (4):

Labcorp Genetics (formerly Invitae), Labcorp
Classification: Pathogenic for Muscular dystrophy-dystroglycanopathy (congenital with impaired intellectual development), type B, 1; Walker-Warburg congenital muscular dystrophy; Autosomal recessive limb-girdle muscular dystrophy type 2K. Last evaluated: 2024-06-19. Review status: criteria provided, single submitter. Criteria: Invitae Variant Classification Sherloc (09022015). Collection method: clinical testing. Allele origin: germline.
Comment: This sequence change creates a premature translational stop signal (p.Tyr352*) in the POMT1 gene. It is expected to result in an absent or disrupted protein product. Loss-of-function variants in POMT1 are known to be pathogenic (PMID: 12369018, 15637732, 16575835). This variant is not present in population databases (gnomAD no frequency). This premature translational stop signal has been observed in individual(s) with Walker–Warburg syndrome (PMID: 15637732). ClinVar contains an entry for this variant (Variation ID: 502224). Algorithms developed to predict the effect of sequence changes on RNA splicing suggest that this variant may disrupt the consensus splice site. For these reasons, this variant has been classified as Pathogenic.

Baylor Genetics
Classification: Likely pathogenic for Muscular dystrophy-dystroglycanopathy (congenital with brain and eye anomalies), type A1. Last evaluated: 2024-02-05. Review status: criteria provided, single submitter. Criteria: ACMG Guidelines, 2015. Collection method: clinical testing. Allele origin: unknown.

Fulgent Genetics
Classification: Pathogenic for Muscular dystrophy-dystroglycanopathy (congenital with brain and eye anomalies), type A1; Autosomal recessive limb-girdle muscular dystrophy type 2K; Muscular dystrophy-dystroglycanopathy (congenital with impaired intellectual development), type B, 1. Last evaluated: 2018-10-31. Review status: criteria provided, single submitter. Criteria: ACMG Guidelines, 2015. Collection method: clinical testing. Allele origin: unknown.

Eurofins Ntd Llc (ga)
Classification: Pathogenic. Last evaluated: 2017-06-06. Review status: criteria provided, single submitter. Criteria: EGL Classification Definitions 2015. Collection method: clinical testing. Allele origin: germline. Observed: 1 variant allele, 1 heterozygote.

Literature cited by the submitters: PubMed 12369018 (cited by Labcorp Genetics (formerly Invitae), Labcorp); PubMed 15637732 (cited by Labcorp Genetics (formerly Invitae), Labcorp); PubMed 16575835 (cited by Labcorp Genetics (formerly Invitae), Labcorp).